The following is an entry in ClinVar:

ClinVar aggregate classification (germline): Uncertain significance (1 of 4 stars; one submission).

Conditions:
Brugada syndrome 8 (BRGDA8). Identifiers: Orphanet 130, MedGen C2751083, MONDO:0013148, OMIM 613123.

Submission:

Labcorp Genetics (formerly Invitae), Labcorp
Classification: Uncertain significance for Brugada syndrome 8. Last evaluated: 2018-12-18. Review status: criteria provided, single submitter. Criteria: Invitae Variant Classification Sherloc (09022015). Collection method: clinical testing. Allele origin: germline.
Comment: In summary, the available evidence is currently insufficient to determine the role of this variant in disease. Therefore, it has been classified as a Variant of Uncertain Significance. Algorithms developed to predict the effect of missense changes on protein structure and function (SIFT, PolyPhen-2, Align-GVGD) all suggest that this variant is likely to be disruptive, but these predictions have not been confirmed by published functional studies and their clinical significance is uncertain. This variant has not been reported in the literature in individuals with HCN4-related disease. This variant is not present in population databases (ExAC no frequency). This sequence change replaces proline with serine at codon 330 of the HCN4 protein (p.Pro330Ser). The proline residue is highly conserved and there is a moderate physicochemical difference between proline and serine.

NM_005477.3(HCN4):c.988C>T (p.Pro330Ser)

Genes: HCN4 (hyperpolarization activated cyclic nucleotide gated potassium channel 4; minus strand), LOC105370890 (uncharacterized LOC105370890; plus strand), LOC126862173 (CDK7 strongly-dependent group 2 enhancer GRCh37_chr15:73635762-73636961; plus strand). Cytogenetic location: 15q24.1.
Variant type: single nucleotide variant.
Coding change: c.988C>T on transcript NM_005477.3 (MANE Select); coding-DNA position 988, C replaced by T.
Protein change: p.Pro330Ser; replaces proline 330 with serine.
Molecular consequence: missense variant.
Genome position (GRCh38, 1-based): chr15:73,343,606, G>A on the plus strand (C>T on the coding strand, the complement: HCN4 is on the minus strand). VCF-style: chr15-73343606-G-A. GRCh37 (hg19) VCF-style: chr15-73635947-G-A.
Other names: short protein forms P330S.
Identifiers: ClinVar variation 538079 (VCV000538079.10), dbSNP rs1555477316, ClinGen allele CA393095097.